The following is an entry in ClinVar:

NM_001042472.3(ABHD12):c.787+1G>A

Gene: ABHD12 (abhydrolase domain containing 12, lysophospholipase; minus strand). Cytogenetic location: 20p11.21.
Variant type: single nucleotide variant.
Coding change: c.787+1G>A on transcript NM_001042472.3 (MANE Select); the canonical splice donor site of the intron after coding-DNA position 787, G replaced by A.
Molecular consequence: splice donor variant.
Genome position (GRCh38, 1-based): chr20:25,308,456, C>T on the plus strand (G>A on the coding strand, the complement: ABHD12 is on the minus strand). VCF-style: chr20-25308456-C-T. GRCh37 (hg19) VCF-style: chr20-25289092-C-T.
Other names: c.787+1G>A (NM_015600.5).
Identifiers: ClinVar variation 4731981 (VCV004731981.1).

ClinVar aggregate classification (germline): Likely pathogenic (1 of 4 stars; one submission).

Submission:

Labcorp Genetics (formerly Invitae), Labcorp
Classification: Likely pathogenic. Last evaluated: 2025-12-01. Review status: criteria provided, single submitter. Criteria: Invitae Variant Classification Sherloc (09022015). Collection method: clinical testing. Allele origin: germline.
Comment: This sequence change affects a donor splice site in intron 8 of the ABHD12 gene. It is expected to disrupt RNA splicing. Variants that disrupt the donor or acceptor splice site typically lead to a loss of protein function (PMID: 16199547), and loss-of-function variants in ABHD12 are known to be pathogenic (PMID: 20797687). This variant is not present in population databases (gnomAD no frequency). This variant has not been reported in the literature in individuals affected with ABHD12-related conditions. Algorithms developed to predict the effect of sequence changes on RNA splicing suggest that this variant may disrupt the consensus splice site. In summary, the currently available evidence indicates that the variant is pathogenic, but additional data are needed to prove that conclusively. Therefore, this variant has been classified as Likely Pathogenic.

Literature cited by the submitters: PubMed 16199547; PubMed 20797687.